The following is an entry in ClinVar:

ClinVar aggregate classification (germline): Uncertain significance (1 of 4 stars; one submission).

Conditions:
Peroxisome biogenesis disorder. Identifiers: Orphanet 79189, MedGen C1832200, MONDO:0019234. Disease mechanism: loss of function.

Submission:

Labcorp Genetics (formerly Invitae), Labcorp
Classification: Uncertain significance for Peroxisome biogenesis disorder. Last evaluated: 2022-07-19. Review status: criteria provided, single submitter. Criteria: Invitae Variant Classification Sherloc (09022015). Collection method: clinical testing. Allele origin: germline.
Comment: In summary, the available evidence is currently insufficient to determine the role of this variant in disease. Therefore, it has been classified as a Variant of Uncertain Significance. Algorithms developed to predict the effect of missense changes on protein structure and function (SIFT, PolyPhen-2, Align-GVGD) all suggest that this variant is likely to be tolerated. This variant has not been reported in the literature in individuals affected with PEX16-related conditions. This variant is not present in population databases (gnomAD no frequency). This sequence change replaces tryptophan, which is neutral and slightly polar, with serine, which is neutral and polar, at codon 130 of the PEX16 protein (p.Trp130Ser).

NM_004813.4(PEX16):c.389G>C (p.Trp130Ser)

Gene: PEX16 (peroxisomal biogenesis factor 16; minus strand). Cytogenetic location: 11p11.2.
Variant type: single nucleotide variant.
Coding change: c.389G>C on transcript NM_004813.4 (MANE Select); coding-DNA position 389, G replaced by C.
Protein change: p.Trp130Ser; replaces tryptophan 130 with serine.
Molecular consequence: missense variant.
Genome position (GRCh38, 1-based): chr11:45,915,539, C>G on the plus strand (G>C on the coding strand, the complement: PEX16 is on the minus strand). VCF-style: chr11-45915539-C-G. GRCh37 (hg19) VCF-style: chr11-45937090-C-G.
Other names: c.389G>C, p.Trp130Ser (NM_057174.3); short protein forms W130S.
Identifiers: ClinVar variation 2067849 (VCV002067849.4), dbSNP rs2494903421, ClinGen allele CA380228345.
Genomic context (GRCh38, chr11:45,915,539, plus strand): 5'-GCCTGGGTCTCTCTGTCCAGTGGAACGATAGGGGGTGAAGTCTGGAGGCCAGCCTTGAAC[C>G]AGAGCAGCAGGAGCATCCGCAGTACAGCCCTGGGTCGGGGAGTATGTCAGGGTTGTGGGG-3'
Protein context (NP_004804.2, residues 120-140): KAVLRMLLLL[Trp130Ser]FKAGLQTSPP